The following is an entry in ClinVar:

NM_003738.5(PTCH2):c.2642dup (p.Pro882fs)

Gene: PTCH2 (patched 2; minus strand). Cytogenetic location: 1p34.1.
Variant type: Duplication.
Coding change: c.2642dup on transcript NM_003738.5 (MANE Select); coding-DNA position 2642, one base duplicated (C; older notation c.2642dupC).
Protein change: p.Pro882fs; shifts the reading frame from proline 882.
Molecular consequence: frameshift variant.
Genome position (GRCh38, 1-based): chr1:44,826,955, G duplicated on the plus strand (C on the coding strand, the reverse complement: PTCH2 is on the minus strand); the first of 6 consecutive G bases (chr1:44,826,955-44,826,960); duplicating any one gives the same sequence. VCF-style (leftmost placement, unchanged base first): chr1-44826954-T-TG. GRCh37 (hg19) VCF-style: chr1-45292626-T-TG.
Other names: c.2642dup, p.Pro882fs (NM_001166292.2); short protein forms P882fs.
Identifiers: ClinVar variation 942904 (VCV000942904.8), dbSNP rs1337855606, ClinGen allele CA1139656085.

ClinVar aggregate classification (germline): Uncertain significance (1 of 4 stars; one submission).

Conditions:
Gorlin syndrome. Also called: Nevoid Basal Cell Carcinoma Syndrome; Basal cell nevus syndrome. Identifiers: Orphanet 377, MedGen C0004779, MONDO:0007187.

Submission:

Labcorp Genetics (formerly Invitae), Labcorp
Classification: Uncertain significance for Gorlin syndrome. Last evaluated: 2019-09-01. Review status: criteria provided, single submitter. Criteria: Invitae Variant Classification Sherloc (09022015). Collection method: clinical testing. Allele origin: germline.
Comment: In summary, the available evidence is currently insufficient to determine the role of this variant in disease. Therefore, it has been classified as a Variant of Uncertain Significance. The current clinical and genetic evidence is not sufficient to establish whether loss-of-function variants in PTCH2 cause disease. This variant has not been reported in the literature in individuals with PTCH2-related conditions. This variant is not present in population databases (ExAC no frequency). This sequence change creates a premature translational stop signal (p.Pro882Thrfs*3) in the PTCH2 gene. It is expected to result in an absent or disrupted protein product.